The following is an entry in ClinVar:

NM_007294.4(BRCA1):c.763G>T (p.Glu255Ter)

Gene: BRCA1 (BRCA1 DNA repair associated; minus strand). Cytogenetic location: 17q21.31.
Variant type: single nucleotide variant.
Coding change: c.763G>T on transcript NM_007294.4 (MANE Select); coding-DNA position 763, G replaced by T.
Protein change: p.Glu255Ter; replaces glutamic acid 255 with a stop codon.
Molecular consequence: nonsense. On other transcripts: non-coding transcript variant (1).
Genome position (GRCh38, 1-based): chr17:43,094,768, C>A on the plus strand (G>T on the coding strand, the complement: BRCA1 is on the minus strand). VCF-style: chr17-43094768-C-A. GRCh37 (hg19) VCF-style: chr17-41246785-C-A.
Other names: c.496G>T, p.Glu166Ter (NM_001407932.1, NM_001407934.1, NM_001407936.1 and 5 more transcripts); c.499G>T, p.Glu167Ter (NM_001407933.1, NM_001407935.1, NM_001408496.1 and 15 more transcripts); c.640G>T, p.Glu214Ter (NM_001407937.1, NM_001407938.1, NM_001407939.1 and 34 more transcripts); c.637G>T, p.Glu213Ter (NM_001407940.1, NM_001407941.1, NM_001408432.1 and 20 more transcripts); c.622G>T, p.Glu208Ter (NM_001407942.1, NM_001407944.1, NM_001407945.1 and 43 more transcripts); c.619G>T, p.Glu207Ter (NM_001407943.1, NM_001407964.1, NM_001408462.1 and 26 more transcripts); c.430G>T, p.Glu144Ter (NM_001407946.1, NM_001407947.1, NM_001407948.1 and 7 more transcripts); c.427G>T, p.Glu143Ter (NM_001407954.1, NM_001407955.1, NM_001407956.1 and 3 more transcripts); and 14 more; short protein forms E255*, E208*, E167*, E184*, E213*, E254*, E87*, E127*.
Identifiers: ClinVar variation 55693 (VCV000055693.22), dbSNP rs80357009, ClinGen allele CA003854.

ClinVar aggregate classification (germline): Pathogenic. Review status: reviewed by expert panel (3 of 4 stars). 8 submissions from 8 submitters: Pathogenic (1). 7 of the submissions do not count toward it. Last evaluated 2016-09-08.

Conditions:
BRCA1-related disorder. Also called: BRCA1-related condition.
Hereditary cancer-predisposing syndrome. Also called: Neoplastic Syndromes, Hereditary; Hereditary neoplastic syndrome; Hereditary Cancer Syndrome; Tumor predisposition. Identifiers: Orphanet 140162, MedGen C0027672, MeSH D009386, MONDO:0015356.
Breast-ovarian cancer, familial, susceptibility to, 1 (BROVCA1). Also called: BRCA1 Hereditary Breast and Ovarian Cancer; OVARIAN CANCER, SUSCEPTIBILITY TO. Identifiers: Orphanet 145, MedGen C2676676, MONDO:0011450, OMIM 604370. Disease mechanism: loss of function.
Hereditary breast ovarian cancer syndrome. Also called: BRCA1- and BRCA2-Associated Hereditary Breast and Ovarian Cancer; Hereditary breast and ovarian cancer syndrome (HBOC); Hereditary breast and ovarian cancer syndrome; Hereditary breast and/or ovarian cancer syndrome; Breast and ovarian cancer; Hereditary breast and ovarian cancer. Identifiers: Orphanet 145, MedGen C0677776, MeSH D061325, MONDO:0003582. Disease mechanism: loss of function.

Submissions (8):

Evidence-based Network for the Interpretation of Germline Mutant Alleles (ENIGMA)
Classification: Pathogenic for Breast-ovarian cancer, familial, susceptibility to, 1. Last evaluated: 2016-09-08. Review status: reviewed by expert panel. Criteria: ENIGMA BRCA1/2 Classification Criteria (2015). Collection method: curation. Allele origin: germline.
Comment: Variant allele predicted to encode a truncated non-functional protein.

Ambry Genetics
Classification: Pathogenic for Hereditary cancer-predisposing syndrome. Last evaluated: 2026-08-05. Review status: criteria provided, single submitter. Criteria: Ambry Variant Classification Scheme 2023. Collection method: clinical testing. Allele origin: germline. Not counted in ClinVar's aggregate classification.
Comment: The p.E255* pathogenic mutation (also known as c.763G>T), located in coding exon 9 of the BRCA1 gene, results from a G to T substitution at nucleotide position 763. This changes the amino acid from a glutamic acid to a stop codon within coding exon 9. This variant is considered to be rare based on population cohorts in the Genome Aggregation Database (gnomAD). This alteration is expected to result in loss of function by premature protein truncation or nonsense-mediated mRNA decay. As such, this alteration is interpreted as a disease-causing mutation.

Center for Genomic Medicine, Rigshospitalet, Copenhagen University Hospital
Classification: Pathogenic. Last evaluated: 2025-03-04. Review status: criteria provided, single submitter. Criteria: ACMG Guidelines, 2015. Collection method: clinical testing. Allele origin: germline. Not counted in ClinVar's aggregate classification.

Blueprint Genetics
Classification: Pathogenic for BRCA1-related disorders. Last evaluated: 2023-10-23. Review status: criteria provided, single submitter. Criteria: ACMG Guidelines, 2015. Collection method: clinical testing. Allele origin: germline. Affected: yes. Observed: 2 variant alleles. Not counted in ClinVar's aggregate classification.

Baylor Genetics
Classification: Pathogenic for Breast-ovarian cancer, familial, susceptibility to, 1. Last evaluated: 2023-10-14. Review status: criteria provided, single submitter. Criteria: ACMG Guidelines, 2015. Collection method: clinical testing. Allele origin: unknown. Not counted in ClinVar's aggregate classification.

Labcorp Genetics (formerly Invitae), Labcorp
Classification: Pathogenic for Hereditary breast ovarian cancer syndrome. Last evaluated: 2021-06-16. Review status: criteria provided, single submitter. Criteria: Invitae Variant Classification Sherloc (09022015). Collection method: clinical testing. Allele origin: germline. Not counted in ClinVar's aggregate classification.
Comment: This variant is not present in population databases (ExAC no frequency). This variant has been observed in individuals with a personal and/or family history of breast and/or ovarian cancer (PMID: 16528604, 29446198, 29907814). ClinVar contains an entry for this variant (Variation ID: 55693). For these reasons, this variant has been classified as Pathogenic. This sequence change creates a premature translational stop signal (p.Glu255*) in the BRCA1 gene. It is expected to result in an absent or disrupted protein product. Loss-of-function variants in BRCA1 are known to be pathogenic (PMID: 20104584).

Consortium of Investigators of Modifiers of BRCA1/2 (CIMBA), c/o University of Cambridge
Classification: Pathogenic for Breast-ovarian cancer, familial, susceptibility to, 1. Last evaluated: 2015-10-02. Review status: criteria provided, single submitter. Criteria: CIMBA Mutation Classification guidelines May 2016. Collection method: clinical testing. Allele origin: germline. Not counted in ClinVar's aggregate classification.

Breast Cancer Information Core (BIC) (BRCA1)
Classification: Pathogenic for Breast-ovarian cancer, familial 1. Last evaluated: 2002-05-29. Review status: no assertion criteria provided. Collection method: clinical testing. Allele origin: germline. Affected: yes. Observed: 4 variant alleles. Not counted in ClinVar's aggregate classification.

Literature cited by the submitters: PubMed 16528604 (cited by Center for Genomic Medicine, Rigshospitalet, Copenhagen University Hospital and Labcorp Genetics (formerly Invitae), Labcorp); PubMed 29446198 (cited by Labcorp Genetics (formerly Invitae), Labcorp); PubMed 29907814 (cited by Labcorp Genetics (formerly Invitae), Labcorp); PubMed 20104584 (cited by Labcorp Genetics (formerly Invitae), Labcorp).